The following is an entry in ClinVar:

ClinVar aggregate classification (germline): Conflicting classifications of pathogenicity. Review status: criteria provided, conflicting classifications (1 of 4 stars). 3 submissions from 3 submitters: Uncertain significance (2); Likely benign (1). Last evaluated 2025-12-04.

Conditions:
Rhabdoid tumor predisposition syndrome 2 (RTPS2). Identifiers: Orphanet 231108, Orphanet 69077, MedGen C2750074, MONDO:0013224, OMIM 613325.
Hereditary cancer-predisposing syndrome. Also called: Neoplastic Syndromes, Hereditary; Tumor predisposition; Hereditary neoplastic syndrome; Hereditary Cancer Syndrome. Identifiers: Orphanet 140162, MedGen C0027672, MeSH D009386, MONDO:0015356.

Allele frequency attached by ClinVar (database versions not stated): gnomAD exomes below 0.00001; gnomAD 0.00001; TOPMed 0.00001.
gnomAD v4.1: 3 of 1,609,588 alleles (0.00019%); highest among the groups gnomAD compares: Non-Finnish European, 0.000085%; no homozygotes.

Submissions (3):

Ambry Genetics
Classification: Likely benign for Hereditary cancer-predisposing syndrome. Last evaluated: 2025-12-04. Review status: criteria provided, single submitter. Criteria: Ambry Variant Classification Scheme 2023. Collection method: clinical testing. Allele origin: germline.

Labcorp Genetics (formerly Invitae), Labcorp
Classification: Uncertain significance for Rhabdoid tumor predisposition syndrome 2. Last evaluated: 2024-12-24. Review status: criteria provided, single submitter. Criteria: Invitae Variant Classification Sherloc (09022015). Collection method: clinical testing. Allele origin: germline.
Comment: This sequence change replaces proline, which is neutral and non-polar, with serine, which is neutral and polar, at codon 273 of the SMARCA4 protein (p.Pro273Ser). This variant is not present in population databases (gnomAD no frequency). This variant has not been reported in the literature in individuals affected with SMARCA4-related conditions. ClinVar contains an entry for this variant (Variation ID: 827491). Invitae Evidence Modeling of protein sequence and biophysical properties (such as structural, functional, and spatial information, amino acid conservation, physicochemical variation, residue mobility, and thermodynamic stability) indicates that this missense variant is not expected to disrupt SMARCA4 protein function with a negative predictive value of 95%. In summary, the available evidence is currently insufficient to determine the role of this variant in disease. Therefore, it has been classified as a Variant of Uncertain Significance.

GeneDx
Classification: Uncertain significance. Last evaluated: 2023-08-22. Review status: criteria provided, single submitter. Criteria: GeneDx Variant Classification Process June 2021. Collection method: clinical testing. Allele origin: germline. Affected: yes.
Comment: Not observed at significant frequency in large population cohorts (gnomAD); In silico analysis supports that this missense variant does not alter protein structure/function; Has not been previously published as pathogenic or benign to our knowledge; This variant is associated with the following publications: (PMID: 27535533)

NM_003072.5(SMARCA4):c.817C>T (p.Pro273Ser)

Gene: SMARCA4 (SWI/SNF related BAF chromatin remodeling complex subunit ATPase 4; plus strand). Cytogenetic location: 19p13.2.
Variant type: single nucleotide variant.
Coding change: c.817C>T on transcript NM_003072.5 (MANE Select); coding-DNA position 817, C replaced by T.
Protein change: p.Pro273Ser; replaces proline 273 with serine.
Molecular consequence: missense variant. On other transcripts: non-coding transcript variant (1).
Genome position (GRCh38, 1-based): chr19:10,986,961, C>T. VCF-style: chr19-10986961-C-T. GRCh37 (hg19) VCF-style: chr19-11097637-C-T.
Other names: c.817C>T, p.Pro273Ser (NM_001128844.3, NM_001128845.2, NM_001128846.2 and 4 more transcripts); short protein forms P273S.
Identifiers: ClinVar variation 827491 (VCV000827491.9), dbSNP rs1472583838, ClinGen allele CA404058045.